The following is an entry in ClinVar:

NM_001142864.4(PIEZO1):c.5116G>A (p.Gly1706Ser)

Gene: PIEZO1 (piezo type mechanosensitive ion channel component 1 (Er blood group); minus strand). Cytogenetic location: 16q24.3.
Variant type: single nucleotide variant.
Coding change: c.5116G>A on transcript NM_001142864.4 (MANE Select); coding-DNA position 5116, G replaced by A.
Protein change: p.Gly1706Ser; replaces glycine 1706 with serine.
Molecular consequence: missense variant.
Genome position (GRCh38, 1-based): chr16:88,721,906, C>T on the plus strand (G>A on the coding strand, the complement: PIEZO1 is on the minus strand). VCF-style: chr16-88721906-C-T. GRCh37 (hg19) VCF-style: chr16-88788314-C-T.
Other names: c.5116G>A (NM_001142864.2); c.3658G>A, p.Gly1220Ser (NM_014745.1); short protein forms G1220S, G1706S.
Identifiers: ClinVar variation 2434803 (VCV002434803.5), dbSNP rs773223277, ClinGen allele CA8231957.

ClinVar aggregate classification (germline): Uncertain significance. Review status: criteria provided, multiple submitters, no conflicts (2 of 4 stars). 3 submissions from 3 submitters: Uncertain significance (3). Last evaluated 2024-11-09.

Conditions:
Inborn genetic diseases. Identifiers: MedGen C0950123, MeSH D030342.
Lymphatic malformation 6 (LMPHM6). Also called: PIEZO1-related generalized lymphatic dysplasia with non-immune hydrops fetalis; GENERALIZED LYMPHATIC DYSPLASIA OF FOTIOU; Lymphedema, hereditary, III. Identifiers: Orphanet 568062, MedGen C4225184, MONDO:0014797, OMIM 616843.

Allele frequency attached by ClinVar (database versions not stated): TOPMed 0.00004; ExAC 0.00006; gnomAD 0.00007.
gnomAD v4.1: 161 of 1,550,020 alleles (0.01%); highest among the groups gnomAD compares: Middle Eastern, 0.017%; no homozygotes.

Submissions (3):

Ambry Genetics
Classification: Uncertain significance for Inborn genetic diseases. Last evaluated: 2024-11-09. Review status: criteria provided, single submitter. Criteria: Ambry Variant Classification Scheme 2023. Collection method: clinical testing. Allele origin: germline.

Clinical Genomics Laboratory, Washington University in St. Louis
Classification: Uncertain significance for Lymphatic malformation 6. Last evaluated: 2023-10-05. Review status: criteria provided, single submitter. Criteria: ACMG Guidelines, 2015. Collection method: clinical testing. Allele origin: germline.
Comment: The PIEZO1 c.5116G>A (p.Gly1706Ser) variant was identified at a near heterozygous allelic fraction. This variant, to our knowledge, has not been reported in the medical literature. This variant has been reported in the ClinVar database as a germline variant of uncertain significance by one submitter (ClinVar ID: 2434803) and in one cancer case as a somatic variant in the cancer database COSMIC (ID: COSV56332440). This variant is only observed on 10/152210 alleles in the general population (gnomAD v.3.1.2), indicating it is not a common variant. Computational predictors suggest that the variant does not impact the PIEZO1 function. Due to limited information and based on ACMG/AMP guidelines for variant interpretation (Richards S et al., PMID: 25741868), the clinical significance of this variant is uncertain at this time.

Revvity Omics, Revvity
Classification: Uncertain significance. Last evaluated: 2022-03-14. Review status: criteria provided, single submitter. Criteria: ACMG Guidelines, 2015. Collection method: clinical testing. Allele origin: germline.